The following is an entry in ClinVar:

NM_000548.5(TSC2):c.4003A>T (p.Arg1335Trp)

Gene: TSC2 (TSC complex subunit 2; plus strand). Cytogenetic location: 16p13.3.
Variant type: single nucleotide variant.
Coding change: c.4003A>T on transcript NM_000548.5 (MANE Select); coding-DNA position 4003, A replaced by T.
Protein change: p.Arg1335Trp; replaces arginine 1335 with tryptophan.
Molecular consequence: missense variant. On other transcripts: non-coding transcript variant (5).
Genome position (GRCh38, 1-based): chr16:2,083,814, A>T. VCF-style: chr16-2083814-A-T. GRCh37 (hg19) VCF-style: chr16-2133815-A-T.
Other names: c.3871A>T, p.Arg1291Trp (NM_001370404.1); c.3874A>T, p.Arg1292Trp (NM_001370405.1, NM_021055.3); c.3925A>T, p.Arg1309Trp (NM_001406665.1); c.3895A>T, p.Arg1299Trp (NM_001406667.1); c.3892A>T, p.Arg1298Trp (NM_001406668.1); c.4000A>T, p.Arg1334Trp (NM_001406663.1); c.3931A>T, p.Arg1311Trp (NM_001406664.1); c.3823A>T, p.Arg1275Trp (NM_001406670.1); and 26 more; short protein forms R1091W, R1111W, R1112W, R1219W, R1231W, R1262W, R1264W, R1299W.
Identifiers: ClinVar variation 2564630 (VCV002564630.5), dbSNP rs1335768928, ClinGen allele CA394297861.

ClinVar aggregate classification (germline): Uncertain significance. Review status: criteria provided, multiple submitters, no conflicts (2 of 4 stars). 2 submissions from 2 submitters: Uncertain significance (2). Last evaluated 2023-04-28.

Conditions:
Hereditary cancer-predisposing syndrome. Also called: Neoplastic Syndromes, Hereditary; Hereditary Cancer Syndrome; Tumor predisposition; Hereditary neoplastic syndrome. Identifiers: Orphanet 140162, MedGen C0027672, MeSH D009386, MONDO:0015356.
Tuberous sclerosis 2 (TSC2). Identifiers: Orphanet 805, MedGen C1860707, MONDO:0013199, OMIM 613254.

Submissions (2):

Labcorp Genetics (formerly Invitae), Labcorp
Classification: Uncertain significance for Tuberous sclerosis 2. Last evaluated: 2023-04-28. Review status: criteria provided, single submitter. Criteria: Invitae Variant Classification Sherloc (09022015). Collection method: clinical testing. Allele origin: germline.
Comment: This variant is not present in population databases (gnomAD no frequency). In summary, the available evidence is currently insufficient to determine the role of this variant in disease. Therefore, it has been classified as a Variant of Uncertain Significance. An algorithm developed to predict the effect of missense changes on protein structure and function (PolyPhen-2) suggests that this variant is likely to be disruptive. This variant has not been reported in the literature in individuals affected with TSC2-related conditions. This sequence change replaces arginine, which is basic and polar, with tryptophan, which is neutral and slightly polar, at codon 1335 of the TSC2 protein (p.Arg1335Trp).

Ambry Genetics
Classification: Uncertain significance for Hereditary cancer-predisposing syndrome. Last evaluated: 2023-04-03. Review status: criteria provided, single submitter. Criteria: Ambry Variant Classification Scheme 2023. Collection method: clinical testing. Allele origin: germline.
Comment: The p.R1335W variant (also known as c.4003A>T), located in coding exon 32 of the TSC2 gene, results from an A to T substitution at nucleotide position 4003. The arginine at codon 1335 is replaced by tryptophan, an amino acid with dissimilar properties. This amino acid position is conserved. In addition, this alteration is predicted to be deleterious by in silico analysis. Since supporting evidence is limited at this time, the clinical significance of this alteration remains unclear.